The following is an entry in ClinVar:

NM_054012.4(ASS1):c.188_189del (p.Asp63fs)

Gene: ASS1 (argininosuccinate synthase 1; plus strand). Cytogenetic location: 9q34.11.
Variant type: Deletion.
Coding change: c.188_189del on transcript NM_054012.4 (MANE Select); coding-DNA positions 188 to 189, 2 bases deleted (AT; older notation c.188_189delAT).
Protein change: p.Asp63fs; shifts the reading frame from aspartic acid 63.
Molecular consequence: frameshift variant.
Genome position (GRCh38, 1-based): chr9:130,458,414-130,458,415, AT deleted. VCF-style (leftmost placement, unchanged base first): chr9-130458413-GAT-G. GRCh37 (hg19) VCF-style: chr9-133333800-GAT-G.
Other names: c.188_189del, p.Asp63fs (NM_000050.4); short protein forms D63fs.
Identifiers: ClinVar variation 2003009 (VCV002003009.4), dbSNP rs1305436274, ClinGen allele CA590945134.
Genomic context (GRCh38, chr9:130,458,413, plus strand): 5'-GGCCCCTGTCCTTGCCTACTTCTTCCTTCTGGGCTCCTCTTCCCGTAGGTGTTCATTGAG[GAT>G]GTCAGCAGGGAGTTTGTGGAGGAGTTCATCTGGCCGGCCATCCAGTCCAGCGCACTGTAT-3'

ClinVar aggregate classification (germline): Pathogenic (1 of 4 stars; one submission).

Conditions:
Citrullinemia. Identifiers: Orphanet 187, MedGen C0175683, MONDO:0015991.

Allele frequency attached by ClinVar (database versions not stated): gnomAD exomes below 0.00001.

Submission:

Labcorp Genetics (formerly Invitae), Labcorp
Classification: Pathogenic for Citrullinemia. Last evaluated: 2022-07-23. Review status: criteria provided, single submitter. Criteria: Invitae Variant Classification Sherloc (09022015). Collection method: clinical testing. Allele origin: germline.
Comment: For these reasons, this variant has been classified as Pathogenic. This variant has not been reported in the literature in individuals affected with ASS1-related conditions. This variant is present in population databases (no rsID available, gnomAD 0.003%). This sequence change creates a premature translational stop signal (p.Asp63Glyfs*21) in the ASS1 gene. It is expected to result in an absent or disrupted protein product. Loss-of-function variants in ASS1 are known to be pathogenic (PMID: 18473344, 19006241).

Literature cited by the submitters: PubMed 18473344; PubMed 19006241.